The following is an entry in ClinVar:

NM_000245.4(MET):c.2908C>T (p.Arg970Cys)

Gene: MET (MET proto-oncogene, receptor tyrosine kinase; plus strand). Cytogenetic location: 7q31.2.
Variant type: single nucleotide variant.
Coding change: c.2908C>T on transcript NM_000245.4 (MANE Select); coding-DNA position 2908, C replaced by T.
Protein change: p.Arg970Cys; replaces arginine 970 with cysteine.
Molecular consequence: missense variant.
Genome position (GRCh38, 1-based): chr7:116,771,869, C>T. VCF-style: chr7-116771869-C-T. GRCh37 (hg19) VCF-style: chr7-116411923-C-T.
Other names: c.2962C>T, p.Arg988Cys (NM_001127500.3); c.1618C>T, p.Arg540Cys (NM_001324402.2); short protein forms R988C, R970C, R540C.
Identifiers: ClinVar variation 41623 (VCV000041623.92), dbSNP rs34589476, ClinGen allele CA160413.

ClinVar aggregate classification (germline): Conflicting classifications of pathogenicity. Review status: criteria provided, conflicting classifications (1 of 4 stars). 28 submissions from 28 submitters: Uncertain significance (1); Benign (7); Likely benign (11). 9 of the submissions do not count toward it. Last evaluated 2026-09-01.

Conditions:
Autosomal recessive nonsyndromic hearing loss 97. Also called: Deafness, autosomal recessive 97. Identifiers: Orphanet 90636, MedGen C4084709, MONDO:0014739, OMIM 616705.
Hepatocellular carcinoma (HCC). Also called: Primary carcinoma of liver; HEPATOMA; LIVER CELL CARCINOMA. Identifiers: Orphanet 88673, MedGen C2239176, MONDO:0007256, OMIM 114550, HP:0001402.
Papillary renal cell carcinoma type 1 (RCCP1). Also called: RENAL CELL CARCINOMA, PAPILLARY, 1, SOMATIC; Renal adenocarcinoma; Renal cell carcinoma 1; Renal cell carcinoma, somatic. Identifiers: Orphanet 47044, MedGen C1336839, OMIM 605074, HP:0011797.
Osteofibrous dysplasia (OSFD). Also called: Tibia, bowing of, with pseudarthrosis and pectus excavatum. Identifiers: Orphanet 488265, MedGen C4085248, MONDO:0011806, OMIM 607278.
Arthrogryposis, distal, IIa 11. Also called: Arthrogryposis, distal, type 11. Identifiers: MedGen C5774205, MONDO:0031045, OMIM 620019.
MET-related disorder. Also called: MET-related condition.
Renal cell carcinoma. Identifiers: Orphanet 217071, MedGen C0007134, MeSH D002292, MONDO:0005086, HP:0005584.
Hereditary cancer-predisposing syndrome. Also called: Neoplastic Syndromes, Hereditary; Tumor predisposition; Hereditary Cancer Syndrome; Hereditary neoplastic syndrome. Identifiers: Orphanet 140162, MedGen C0027672, MeSH D009386, MONDO:0015356.

Allele frequency attached by ClinVar (database versions not stated): gnomAD 0.00327 and 0.00299; 1000 Genomes Project 0.00100; TOPMed 0.00328; 1000 Genomes Project 30x 0.00109; ExAC 0.00285; gnomAD exomes 0.00288 and 0.00481; ESP Exome Variant Server 0.00351.
gnomAD v4.1: 7,390 of 1,613,774 alleles (0.46%); highest among the groups gnomAD compares: Non-Finnish European, 0.58%; 20 homozygotes.

Submissions (28):

CeGaT Center for Human Genetics Tuebingen
Classification: Likely benign. Last evaluated: 2026-09-01. Review status: criteria provided, single submitter. Criteria: CeGaT Center For Human Genetics Tuebingen Variant Classification Criteria Version 2. Collection method: clinical testing. Allele origin: germline. Affected: yes. Observed: 57 variant alleles.
Comment: MET: BS2

Labcorp Genetics (formerly Invitae), Labcorp
Classification: Benign for Renal cell carcinoma. Last evaluated: 2026-02-03. Review status: criteria provided, single submitter. Criteria: Invitae Variant Classification Sherloc (09022015). Collection method: clinical testing. Allele origin: germline.

Mayo Clinic Laboratories, Mayo Clinic
Classification: Likely benign. Last evaluated: 2025-07-29. Review status: criteria provided, single submitter. Criteria: ACMG Guidelines, 2015. Collection method: clinical testing. Allele origin: germline. Observed: 5 variant alleles.
Comment: BS1, BP4

Women's Health and Genetics/Laboratory Corporation of America, LabCorp
Classification: Likely benign. Last evaluated: 2025-03-31. Review status: criteria provided, single submitter. Criteria: LabCorp Variant Classification Summary - May 2015. Collection method: clinical testing. Allele origin: germline.

Center for Genomic Medicine, Rigshospitalet, Copenhagen University Hospital
Classification: Likely benign. Last evaluated: 2025-03-04. Review status: criteria provided, single submitter. Criteria: ACMG Guidelines, 2015. Collection method: clinical testing. Allele origin: germline.

Blueprint Genetics
Classification: Likely benign. Last evaluated: 2024-11-22. Review status: criteria provided, single submitter. Criteria: ACMG Guidelines, 2015. Collection method: clinical testing. Allele origin: germline.

Myriad Genetics, Inc.
Classification: Likely benign for Papillary renal cell carcinoma type 1. Last evaluated: 2024-11-12. Review status: criteria provided, single submitter. Criteria: Myriad Autosomal Dominant, Autosomal Recessive and X-Linked Classification Criteria (2023). Collection method: clinical testing. Allele origin: unknown.
Comment: This variant is considered likely benign. This variant has been observed at a population frequency that is significantly greater than expected given the associated disease prevalence and penetrance.

ARUP Laboratories, Molecular Genetics and Genomics, ARUP Laboratories
Classification: Likely benign. Last evaluated: 2023-11-09. Review status: criteria provided, single submitter. Criteria: ARUP Molecular Germline Variant Investigation Process 2024. Collection method: clinical testing. Allele origin: germline.

Department of Pathology and Laboratory Medicine, Sinai Health System
Classification: Benign for Hepatocellular carcinoma; Papillary renal cell carcinoma type 1; Osteofibrous dysplasia; Autosomal recessive nonsyndromic hearing loss 97; Arthrogryposis, distal, IIa 11. Last evaluated: 2023-06-20. Review status: criteria provided, single submitter. Criteria: ACMG Guidelines, 2015. Collection method: clinical testing. Allele origin: germline. Affected: yes.

Genetics and Molecular Pathology, SA Pathology
Classification: Benign for Papillary renal cell carcinoma type 1. Last evaluated: 2022-01-21. Review status: criteria provided, single submitter. Criteria: ACMG Guidelines, 2015. Collection method: clinical testing. Allele origin: germline. Affected: yes.

Genetic Services Laboratory, University of Chicago
Classification: Benign. Last evaluated: 2021-05-04. Review status: criteria provided, single submitter. Criteria: ACMG Guidelines, 2015. Collection method: clinical testing. Allele origin: germline. Affected: no.

Sema4
Classification: Benign for Hereditary cancer-predisposing syndrome. Last evaluated: 2020-10-23. Review status: criteria provided, single submitter. Criteria: Sema4 Curation Guidelines. Collection method: curation. Allele origin: germline.

GeneDx
Classification: Benign. Last evaluated: 2019-08-08. Review status: criteria provided, single submitter. Criteria: GeneDx Variant Classification Process June 2021. Collection method: clinical testing. Allele origin: germline. Affected: yes.
Comment: This variant is associated with the following publications: (PMID: 17322284, 17053076, 20670955, 25314153, 20368753, 23401458, 22128285, 25231402, 16734685, 25992381, 27626278, 28085233, 27636102, no PMID, 29970518, 14559814, 24728327, 23449277, 16189274, 15592501, 21847116, 15735036, 19723643, 26097886, 18564920, 22703879, 17404109, 23640142, 20370683, 20139696, 19037978, 18340114, 19318576, 17288874, 19861919, 17483355, 23662036, 19333071, 18709663, 20462834, 22838389, 20489150, 19393836, 21918175, 22530990, 25868855, 24327519, 24105670, 25416047, 24929890, 22973954, 26574927, 27153395, 28648934, 28116210, 27741505, 27899992, 28247034, 27013592, 28061464, 26934580, 27376238, 28603720, 28740441, 27923392, 28476232, 28619094, 31004003)

Institute of Human Genetics, University of Leipzig Medical Center
Classification: Likely benign for Papillary renal cell carcinoma type 1. Last evaluated: 2019-01-01. Review status: criteria provided, single submitter. Criteria: ACMG Guidelines, 2015. Collection method: clinical testing. Allele origin: germline. Affected: yes.

Ambry Genetics
Classification: Likely benign for Hereditary cancer-predisposing syndrome. Last evaluated: 2018-09-27. Review status: criteria provided, single submitter. Criteria: Ambry Variant Classification Scheme 2023. Collection method: clinical testing. Allele origin: germline.

Mendelics
Classification: Likely benign for Renal cell carcinoma, papillary, 1. Last evaluated: 2018-07-02. Review status: criteria provided, single submitter. Criteria: Mendelics Assertion Criteria 2017. Collection method: clinical testing. Allele origin: unknown.

Illumina Laboratory Services, Illumina
Classification: Benign for Papillary renal cell carcinoma type 1. Last evaluated: 2018-03-06. Review status: criteria provided, single submitter. Criteria: ICSL Variant Classification Criteria 13 December 2019. Collection method: clinical testing. Allele origin: germline.
Comment: This variant was observed in the ICSL laboratory as part of a predisposition screen in an ostensibly healthy population. It had not been previously curated by ICSL or reported in the Human Gene Mutation Database (HGMD: prior to June 1st, 2018), and was therefore a candidate for classification through an automated scoring system. Utilizing variant allele frequency, disease prevalence and penetrance estimates, and inheritance mode, an automated score was calculated to assess if this variant is too frequent to cause the disease. Based on the score and internal cut-off values, a variant classified as benign is not then subjected to further curation. The score for this variant resulted in a classification of benign for this disease.

Center for Pediatric Genomic Medicine, Children's Mercy Hospital and Clinics
Classification: Likely benign. Last evaluated: 2017-01-24. Review status: criteria provided, single submitter. Criteria: ACMG Guidelines, 2015. Collection method: clinical testing. Allele origin: germline.
ClinVar note: Converted during submission from Likely Benign to Likely benign.

Eurofins Ntd Llc (ga)
Classification: Uncertain significance. Last evaluated: 2015-02-18. Review status: criteria provided, single submitter. Criteria: EGL Classification Definitions 2015. Collection method: clinical testing. Allele origin: germline. Observed: 5 variant alleles, 5 heterozygotes.

Biesecker Lab/Clinical Genomics Section, National Institutes of Health
Classification: Benign. Last evaluated: 2023-10-06. Review status: no assertion criteria provided. Collection method: research. Allele origin: germline. Inheritance: Autosomal dominant inheritance. Affected: no. Observed: 4 variant alleles. Study: ClinSeq. Not counted in ClinVar's aggregate classification.
Comment: BA1 based on allele frequency in NFE of 0.0050422 in gnomAD. PMID:20670955 variant lacks transforming ability.

PreventionGenetics, part of Exact Sciences
Classification: Likely benign for MET-related condition. Last evaluated: 2019-11-07. Review status: no assertion criteria provided. Collection method: clinical testing. Allele origin: germline. Not counted in ClinVar's aggregate classification.
Comment: This variant is classified as likely benign based on ACMG/AMP sequence variant interpretation guidelines (Richards et al. 2015 PMID: 25741868, with internal and published modifications).

ITMI
No classification provided. Condition: AllHighlyPenetrant. Last evaluated: 2013-09-19. Review status: no classification provided. Collection method: reference population. Allele origin: germline. Not counted in ClinVar's aggregate classification.
Comment: Please see associated publication for description of ethnicities

Clinical Genetics, Academic Medical Center
Classification: Likely benign. Review status: no assertion criteria provided. Collection method: clinical testing. Allele origin: germline. Affected: yes. Study: VKGL Data-share Consensus. Not counted in ClinVar's aggregate classification.

Diagnostic Laboratory, Department of Genetics, University Medical Center Groningen
Classification: Likely benign. Review status: no assertion criteria provided. Collection method: clinical testing. Allele origin: germline. Affected: yes. Study: VKGL Data-share Consensus. Not counted in ClinVar's aggregate classification.

Genome Diagnostics Laboratory, Amsterdam University Medical Center
Classification: Likely benign. Review status: no assertion criteria provided. Collection method: clinical testing. Allele origin: germline. Affected: yes. Study: VKGL Data-share Consensus. Not counted in ClinVar's aggregate classification.

Genome Diagnostics Laboratory, University Medical Center Utrecht
Classification: Likely benign. Review status: no assertion criteria provided. Collection method: clinical testing. Allele origin: germline. Affected: yes. Study: VKGL Data-share Consensus. Not counted in ClinVar's aggregate classification.

Joint Genome Diagnostic Labs from Nijmegen and Maastricht, Radboudumc and MUMC+
Classification: Benign. Review status: no assertion criteria provided. Collection method: clinical testing. Allele origin: germline. Affected: yes. Study: VKGL Data-share Consensus. Not counted in ClinVar's aggregate classification.

Laboratory for Molecular Medicine, Mass General Brigham Personalized Medicine
Classification: Uncertain significance. Last evaluated: 2016-03-28. Review status: flagged submission. Criteria: LMM Criteria. Collection method: clinical testing. Allele origin: germline. Not counted in ClinVar's aggregate classification.
Comment: Variant identified in a genome or exome case(s) and assessed due to predicted null impact of the variant or pathogenic assertions in the literature or databases. Disclaimer: This variant has not undergone full assessment. The following are preliminary notes: Gene associated with cancers, and variant has been identified in large B-cell lymphoma, but also pretty high frequency in ExAC with 1 homozygote, reported in apparently healthy individuals, and there are conflicting reports about functional impact (most recent functional study says no impact)
ClinVar note: Reason: Older claim that does not account for recent evidence

Literature cited by the submitters: PubMed 14559814 (cited by Ambry Genetics and Eurofins Ntd Llc (ga)); PubMed 16189274 (cited by Ambry Genetics and Eurofins Ntd Llc (ga)); PubMed 18564920 (cited by Ambry Genetics); PubMed 20670955 (cited by Ambry Genetics and Eurofins Ntd Llc (ga)); PubMed 27153395 (cited by Ambry Genetics); PubMed 28619094 (cited by Ambry Genetics); PubMed 24728327 (cited by ITMI).